The following is an entry in ClinVar:

NM_000540.3(RYR1):c.9545dup (p.Tyr3182Ter)

Gene: RYR1 (ryanodine receptor 1; plus strand). Cytogenetic location: 19q13.2.
Variant type: Duplication.
Coding change: c.9545dup on transcript NM_000540.3 (MANE Select); coding-DNA position 9545, one base duplicated (A; older notation c.9545dupA).
Protein change: p.Tyr3182Ter; replaces tyrosine 3182 with a stop codon.
Molecular consequence: nonsense.
Genome position (GRCh38, 1-based): chr19:38,515,098, A duplicated. VCF-style (leftmost placement, unchanged base first): chr19-38515097-T-TA. GRCh37 (hg19) VCF-style: chr19-39005737-T-TA.
Other names: c.9545dup, p.Tyr3182Ter (NM_001042723.2); short protein forms Y3182*.
Identifiers: ClinVar variation 862002 (VCV000862002.9), dbSNP rs1970899870, ClinGen allele CA916082471.

ClinVar aggregate classification (germline): Pathogenic (1 of 4 stars; one submission).

Conditions:
RYR1-related disorder. Also called: RYR1-related disorders; RYR1-related condition. Identifiers: MedGen CN239331.

Submission:

Labcorp Genetics (formerly Invitae), Labcorp
Classification: Pathogenic for RYR1-related disorder. Last evaluated: 2021-04-02. Review status: criteria provided, single submitter. Criteria: Invitae Variant Classification Sherloc (09022015). Collection method: clinical testing. Allele origin: germline.
Comment: This variant has not been reported in the literature in individuals with RYR1-related conditions. Loss-of-function variants in RYR1 are known to be pathogenic (PMID: 20583297, 20839240, 23919265, 28818389). For these reasons, this variant has been classified as Pathogenic. This variant is not present in population databases (ExAC no frequency). This sequence change creates a premature translational stop signal (p.Tyr3182*) in the RYR1 gene. It is expected to result in an absent or disrupted protein product.

Literature cited by the submitters: PubMed 20583297; PubMed 20839240; PubMed 23919265; PubMed 28818389.